The following is an entry in ClinVar:

NM_000051.4(ATM):c.7990G>C (p.Val2664Leu)

Genes: ATM (ATM serine/threonine kinase; plus strand), C11orf65 (chromosome 11 open reading frame 65; minus strand). Cytogenetic location: 11q22.3.
Variant type: single nucleotide variant.
Coding change: c.7990G>C on transcript NM_000051.4 (MANE Select); coding-DNA position 7990, G replaced by C.
Protein change: p.Val2664Leu; replaces valine 2664 with leucine.
Molecular consequence: missense variant. On other transcripts: intron variant (2).
Genome position (GRCh38, 1-based): chr11:108,333,948, G>C. VCF-style: chr11-108333948-G-C. GRCh37 (hg19) VCF-style: chr11-108204675-G-C.
Other names: c.7990G>C, p.Val2664Leu (NM_001351834.2); c.641-24877C>G (NM_001330368.2); c.*38+1272C>G (NM_001351110.2); short protein forms V2664L.
Identifiers: ClinVar variation 3223127 (VCV003223127.1), dbSNP rs2086554329, ClinGen allele CA382561776.
Genomic context (GRCh38, chr11:108,333,948, plus strand): 5'-GGCATAAATATTCCAGCAGACCAGCCAATTACTAAACTTAAGAATTTAGAAGATGTTGTT[G>C]TCCCTACTATGGAAATTAAGGTAATTTGCAATTAACTCTTGATTTTTTTTAAACTAAATT-3'
Protein context (NP_000042.3, residues 2654-2674): TKLKNLEDVV[Val2664Leu]PTMEIKVDHT

ClinVar aggregate classification (germline): Uncertain significance (1 of 4 stars; one submission).

Conditions:
Hereditary cancer-predisposing syndrome. Also called: Tumor predisposition; Hereditary Cancer Syndrome; Hereditary neoplastic syndrome; Neoplastic Syndromes, Hereditary. Identifiers: Orphanet 140162, MedGen C0027672, MeSH D009386, MONDO:0015356.

Submission:

Ambry Genetics
Classification: Uncertain significance for Hereditary cancer-predisposing syndrome. Last evaluated: 2024-02-23. Review status: criteria provided, single submitter. Criteria: Ambry Variant Classification Scheme 2023. Collection method: clinical testing. Allele origin: germline.
Comment: The p.V2664L variant (also known as c.7990G>C), located in coding exon 53 of the ATM gene, results from a G to C substitution at nucleotide position 7990. The valine at codon 2664 is replaced by leucine, an amino acid with highly similar properties. This amino acid position is conserved. In addition, the in silico prediction for this alteration is inconclusive. Based on the available evidence, the clinical significance of this alteration remains unclear.